The following is an entry in ClinVar:

NM_004187.5(KDM5C):c.2575C>A (p.Gln859Lys)

Gene: KDM5C (lysine demethylase 5C; minus strand). Cytogenetic location: Xp11.22.
Variant type: single nucleotide variant.
Coding change: c.2575C>A on transcript NM_004187.5 (MANE Select); coding-DNA position 2575, C replaced by A.
Protein change: p.Gln859Lys; replaces glutamine 859 with lysine.
Molecular consequence: missense variant. On other transcripts: non-coding transcript variant (3).
Genome position (GRCh38, 1-based): chrX:53,197,818, G>T on the plus strand (C>A on the coding strand, the complement: KDM5C is on the minus strand). VCF-style: chrX-53197818-G-T. GRCh37 (hg19) VCF-style: chrX-53227000-G-T.
Other names: c.2575C>A (NM_004187.3); c.2374C>A, p.Gln792Lys (NM_001146702.2); c.2572C>A, p.Gln858Lys (NM_001282622.3, NM_001353979.2, NM_001353982.2); c.2575C>A, p.Gln859Lys (NM_001353978.3, NM_001353981.2, NM_001353984.2); short protein forms Q859K, Q858K, Q792K.
Identifiers: ClinVar variation 2858388 (VCV002858388.5), dbSNP rs1556838661, ClinGen allele CA413116575.

ClinVar aggregate classification (germline): Uncertain significance. Review status: criteria provided, multiple submitters, no conflicts (2 of 4 stars). 3 submissions from 3 submitters: Uncertain significance (3). Last evaluated 2025-11-19.

Conditions:
Inborn genetic diseases. Identifiers: MedGen C0950123, MeSH D030342.
Spastic paraplegia. Identifiers: MedGen C0037772, HP:0001258.

gnomAD v4.1: 1 of 1,203,330 alleles (0.000083%); highest among the groups gnomAD compares: Admixed American, 0.0022%; no homozygotes.

Submissions (3):

Ambry Genetics
Classification: Uncertain significance for Inborn genetic diseases. Last evaluated: 2025-11-19. Review status: criteria provided, single submitter. Criteria: Ambry Variant Classification Scheme 2023. Collection method: clinical testing. Allele origin: germline.

Labcorp Genetics (formerly Invitae), Labcorp
Classification: Uncertain significance for Spastic paraplegia. Last evaluated: 2024-03-17. Review status: criteria provided, single submitter. Criteria: Invitae Variant Classification Sherloc (09022015). Collection method: clinical testing. Allele origin: germline.
Comment: This sequence change replaces glutamine, which is neutral and polar, with lysine, which is basic and polar, at codon 859 of the KDM5C protein (p.Gln859Lys). This variant is present in population databases (no rsID available, gnomAD 0.1%). This variant has not been reported in the literature in individuals affected with KDM5C-related conditions. Advanced modeling of protein sequence and biophysical properties (such as structural, functional, and spatial information, amino acid conservation, physicochemical variation, residue mobility, and thermodynamic stability) performed at Invitae indicates that this missense variant is not expected to disrupt KDM5C protein function with a negative predictive value of 95%. In summary, the available evidence is currently insufficient to determine the role of this variant in disease. Therefore, it has been classified as a Variant of Uncertain Significance.

Blueprint Genetics
Classification: Uncertain significance. Last evaluated: 2023-06-22. Review status: criteria provided, single submitter. Criteria: ACMG Guidelines, 2015. Collection method: clinical testing. Allele origin: germline.